The following is an entry in ClinVar:

ClinVar aggregate classification (germline): Likely benign (0 of 4 stars; one submission).

Conditions:
SLC7A5-related disorder. Also called: SLC7A5-related condition.

Allele frequency attached by ClinVar (database versions not stated): gnomAD 0.00002; TOPMed 0.00009; ExAC 0.00031.
gnomAD v4.1: 37 of 1,478,178 alleles (0.0025%); highest among the groups gnomAD compares: Admixed American, 0.095%; no homozygotes.

Submission:

PreventionGenetics, part of Exact Sciences
Classification: Likely benign for SLC7A5-related condition. Last evaluated: 2019-04-05. Review status: no assertion criteria provided. Collection method: clinical testing. Allele origin: germline.
Comment: This variant is classified as likely benign based on ACMG/AMP sequence variant interpretation guidelines (Richards et al. 2015 PMID: 25741868, with internal and published modifications).

NM_003486.7(SLC7A5):c.-1C>T

Gene: SLC7A5 (solute carrier family 7 member 5; minus strand). Cytogenetic location: 16q24.2.
Variant type: single nucleotide variant.
Coding change: c.-1C>T on transcript NM_003486.7 (MANE Select); 1 bases upstream of the start codon, C replaced by T.
Molecular consequence: 5 prime UTR variant.
Genome position (GRCh38, 1-based): chr16:87,869,423, G>A on the plus strand (C>T on the coding strand, the complement: SLC7A5 is on the minus strand). VCF-style: chr16-87869423-G-A. GRCh37 (hg19) VCF-style: chr16-87903029-G-A.
Identifiers: ClinVar variation 3047210 (VCV003047210.2), dbSNP rs779157899, ClinGen allele CA8223196.